The following is an entry in ClinVar:

ClinVar aggregate classification (germline): Likely benign (1 of 4 stars; one submission).

Conditions:
Malignant hyperthermia, susceptibility to, 1 (MHS1). Also called: Anesthesia related hyperthermia; Malignant hyperpyrexia; Fulminating hyperpyrexia; Pharmacogenic myopathy; RYR1-Related Malignant Hyperthermia Susceptibility; Malignant hyperthermia suceptibility 1. Identifiers: Orphanet 423, MedGen C2930980, MONDO:0007783, OMIM 145600.

gnomAD v4.1: 1 of 1,613,888 alleles (0.000062%); highest among the groups gnomAD compares: Non-Finnish European, 0.000085%; no homozygotes.

Submission:

All of Us Research Program, National Institutes of Health
Classification: Likely benign for Malignant hyperthermia, susceptibility to, 1. Last evaluated: 2023-10-02. Review status: criteria provided, single submitter. Criteria: ACMG Guidelines, 2015. Collection method: clinical testing. Allele origin: germline. Inheritance: Autosomal dominant inheritance. Observed: 1 variant allele, 1 heterozygote.
Comment: This study involves interpretation of variants in research participants for the purpose of population health screening. Participant phenotype was not available at the time of variant classification. Additional details can be found in publication PMID: 35346344, PMCID: PMC8962531

NM_000540.3(RYR1):c.3558C>A (p.Gly1186=)

Gene: RYR1 (ryanodine receptor 1; plus strand). Cytogenetic location: 19q13.2.
Variant type: single nucleotide variant.
Coding change: c.3558C>A on transcript NM_000540.3 (MANE Select); coding-DNA position 3558, C replaced by A.
Protein change: p.Gly1186=; no amino-acid change (glycine 1186 retained).
Molecular consequence: synonymous variant.
Genome position (GRCh38, 1-based): chr19:38,469,306, C>A. VCF-style: chr19-38469306-C-A. GRCh37 (hg19) VCF-style: chr19-38959946-C-A.
Other names: c.3558C>A, p.Gly1186= (NM_001042723.2).
Identifiers: ClinVar variation 3073509 (VCV003073509.1), dbSNP rs2514116172, ClinGen allele CA507352924.